The following is an entry in ClinVar:

ClinVar aggregate classification (germline): Uncertain significance. Review status: criteria provided, multiple submitters, no conflicts (2 of 4 stars). 3 submissions from 3 submitters: Uncertain significance (2). 1 of the submissions does not count toward it. Last evaluated 2025-04-22.

Conditions:
DLC1-related disorder. Also called: DLC1-related condition.
Colorectal cancer. Also called: Colorectal cancer, somatic; Malignant Colorectal Neoplasm. Identifiers: MedGen C0346629, MONDO:0005575, OMIM 114500.

Allele frequency attached by ClinVar (database versions not stated): ExAC 0.00002; TOPMed 0.00002; gnomAD exomes 0.00005.
gnomAD v4.1: 71 of 1,614,008 alleles (0.0044%); highest among the groups gnomAD compares: Middle Eastern, 0.099%; no homozygotes.

Submissions (3):

Labcorp Genetics (formerly Invitae), Labcorp
Classification: Uncertain significance. Last evaluated: 2025-04-22. Review status: criteria provided, single submitter. Criteria: Invitae Variant Classification Sherloc (09022015). Collection method: clinical testing. Allele origin: germline.
Comment: This sequence change replaces leucine, which is neutral and non-polar, with proline, which is neutral and non-polar, at codon 61 of the DLC1 protein (p.Leu61Pro). This variant is present in population databases (rs774305707, gnomAD 0.006%). This variant has not been reported in the literature in individuals affected with DLC1-related conditions. ClinVar contains an entry for this variant (Variation ID: 2178728). An algorithm developed to predict the effect of missense changes on protein structure and function (PolyPhen-2) suggests that this variant is likely to be tolerated. In summary, the available evidence is currently insufficient to determine the role of this variant in disease. Therefore, it has been classified as a Variant of Uncertain Significance.

Fulgent Genetics
Classification: Uncertain significance for Colorectal cancer. Last evaluated: 2024-03-27. Review status: criteria provided, single submitter. Criteria: ACMG Guidelines, 2015. Collection method: clinical testing. Allele origin: germline.

PreventionGenetics, part of Exact Sciences
Classification: Uncertain significance for DLC1-related condition. Last evaluated: 2024-03-16. Review status: no assertion criteria provided. Collection method: clinical testing. Allele origin: germline. Not counted in ClinVar's aggregate classification.
Comment: The DLC1 c.182T>C variant is predicted to result in the amino acid substitution p.Leu61Pro. To our knowledge, this variant has not been reported in the literature. This variant is reported in 0.0053% of alleles in individuals of European (Non-Finnish) descent in gnomAD. At this time, the clinical significance of this variant is uncertain due to the absence of conclusive functional and genetic evidence.

NM_182643.3(DLC1):c.182T>C (p.Leu61Pro)

Gene: DLC1 (DLC1 Rho GTPase activating protein; minus strand). Cytogenetic location: 8p22.
Variant type: single nucleotide variant.
Coding change: c.182T>C on transcript NM_182643.3 (MANE Select); coding-DNA position 182, T replaced by C.
Protein change: p.Leu61Pro; replaces leucine 61 with proline.
Molecular consequence: missense variant. On other transcripts: 5 prime UTR variant (1).
Genome position (GRCh38, 1-based): chr8:13,499,890, A>G on the plus strand (T>C on the coding strand, the complement: DLC1 is on the minus strand). VCF-style: chr8-13499890-A-G. GRCh37 (hg19) VCF-style: chr8-13357399-A-G.
Other names: c.182T>C, p.Leu61Pro (NM_001348081.2, NM_001413124.1, NM_001413125.1 and 1 more transcripts); c.-1270T>C (NM_001348082.2); c.182T>C (NM_182643.2); short protein forms L61P.
Identifiers: ClinVar variation 2178728 (VCV002178728.6), dbSNP rs774305707, ClinGen allele CA4639565.